The following is an entry in ClinVar:

ClinVar aggregate classification (germline): Uncertain significance (1 of 4 stars; one submission).

Conditions:
Hereditary cancer-predisposing syndrome. Also called: Hereditary neoplastic syndrome; Neoplastic Syndromes, Hereditary; Tumor predisposition; Hereditary Cancer Syndrome. Identifiers: Orphanet 140162, MedGen C0027672, MeSH D009386, MONDO:0015356.

Submission:

Ambry Genetics
Classification: Uncertain significance for Hereditary cancer-predisposing syndrome. Last evaluated: 2025-08-27. Review status: criteria provided, single submitter. Criteria: Ambry Variant Classification Scheme 2023. Collection method: clinical testing. Allele origin: germline.
Comment: The p.R16T variant (also known as c.47G>C), located in coding exon 2 of the MUTYH gene, results from a G to C substitution at nucleotide position 47. The arginine at codon 16 is replaced by threonine, an amino acid with similar properties. This amino acid position is conserved. In addition, this alteration is predicted to be tolerated by in silico analysis. Based on the available evidence, the clinical significance of this variant remains unclear.

NM_001048174.2(MUTYH):c.5G>C (p.Arg2Thr)

Gene: MUTYH (mutY DNA glycosylase; minus strand). Cytogenetic location: 1p34.1.
Variant type: single nucleotide variant.
Coding change: c.5G>C on transcript NM_001048174.2 (MANE Select); coding-DNA position 5, G replaced by C.
Protein change: p.Arg2Thr; replaces arginine 2 with threonine.
Molecular consequence: missense variant. On other transcripts: 5 prime UTR variant (7), non-coding transcript variant (7).
Genome position (GRCh38, 1-based): chr1:45,334,501, C>G on the plus strand (G>C on the coding strand, the complement: MUTYH is on the minus strand). VCF-style: chr1-45334501-C-G. GRCh37 (hg19) VCF-style: chr1-45800173-C-G.
Other names: c.5G>C, p.Arg2Thr (NM_001048171.2, NM_001048172.2, NM_001048173.2 and 15 more transcripts); c.47G>C, p.Arg16Thr (NM_001128425.2, NM_001293190.2, NM_001407069.1 and 2 more transcripts); c.-208G>C (NM_001293192.2, NM_001293196.2, NM_001407091.1); c.-267G>C (NM_001350650.2); c.-203G>C (NM_001350651.2, NM_001407082.1); c.-152G>C (NM_001407075.1); c.23G>C, p.Arg8Thr (NM_001407087.1); short protein forms R16T, R2T, R8T.
Identifiers: ClinVar variation 4113680 (VCV004113680.1).